The following is an entry in ClinVar:

ClinVar aggregate classification (germline): Uncertain significance (1 of 4 stars; one submission).

Allele frequency attached by ClinVar (database versions not stated): ExAC 0.00001.

Submission:

GeneDx
Classification: Uncertain significance. Last evaluated: 2023-11-28. Review status: criteria provided, single submitter. Criteria: GeneDx Variant Classification Process June 2021. Collection method: clinical testing. Allele origin: germline. Affected: yes.
Comment: In silico analysis supports that this missense variant has a deleterious effect on protein structure/function; Has not been previously published as pathogenic or benign to our knowledge

NM_001032382.2(PQBP1):c.29G>T (p.Arg10Leu)

Genes: PQBP1 (polyglutamine binding protein 1; plus strand), LOC130068256 (ATAC-STARR-seq lymphoblastoid active region 29617; plus strand). Cytogenetic location: Xp11.23.
Variant type: single nucleotide variant.
Coding change: c.29G>T on transcript NM_001032382.2 (MANE Select); coding-DNA position 29, G replaced by T.
Protein change: p.Arg10Leu; replaces arginine 10 with leucine.
Molecular consequence: missense variant.
Genome position (GRCh38, 1-based): chrX:48,898,538, G>T. VCF-style: chrX-48898538-G-T. GRCh37 (hg19) VCF-style: chrX-48755821-G-T.
Other names: c.29G>T, p.Arg10Leu (NM_001032381.2, NM_001032383.2, NM_001032384.1 and 5 more transcripts); short protein forms R10L.
Identifiers: ClinVar variation 1313256 (VCV001313256.3), dbSNP rs782035838, ClinGen allele CA10405841.